The following is an entry in ClinVar:

NM_001692.4(ATP6V1B1):c.1394G>A (p.Arg465His)

Gene: ATP6V1B1 (ATPase H+ transporting V1 subunit B1; plus strand). Cytogenetic location: 2p13.3.
Variant type: single nucleotide variant.
Coding change: c.1394G>A on transcript NM_001692.4 (MANE Select); coding-DNA position 1394, G replaced by A.
Protein change: p.Arg465His; replaces arginine 465 with histidine.
Molecular consequence: missense variant.
Genome position (GRCh38, 1-based): chr2:70,964,973, G>A. VCF-style: chr2-70964973-G-A. GRCh37 (hg19) VCF-style: chr2-71192103-G-A.
Other names: short protein forms R465H.
Identifiers: ClinVar variation 178290 (VCV000178290.44), dbSNP rs142905621, ClinGen allele CA182049.

ClinVar aggregate classification (germline): Conflicting classifications of pathogenicity. Review status: criteria provided, conflicting classifications (1 of 4 stars). 14 submissions from 14 submitters: Uncertain significance (1); Benign (9); Likely benign (3). 1 of the submissions does not count toward it. Last evaluated 2026-02-01.

Conditions:
Renal tubular acidosis with progressive nerve deafness. Also called: Distal Renal Tubular Acidosis with Progressive Sensorineural Deafness; RENAL TUBULAR ACIDOSIS, AUTOSOMAL RECESSIVE, WITH PROGRESSIVE NERVE DEAFNESS; RTA WITH PROGRESSIVE NERVE DEAFNESS; renal tubular acidosis, distal, 2, with progressive sensorineural hearing loss. Identifiers: MedGen C0403554, MONDO:0009968, OMIM 267300.

Allele frequency attached by ClinVar (database versions not stated): gnomAD exomes 0.00146 and 0.00301; ESP Exome Variant Server 0.00254; gnomAD 0.00275 and 0.00310; TOPMed 0.00277; ExAC 0.00346; 1000 Genomes Project 30x 0.00593; 1000 Genomes Project 0.00619.
gnomAD v4.1: 2,672 of 1,613,912 alleles (0.17%); highest among the groups gnomAD compares: South Asian, 1.5%; 36 homozygotes.

Submissions (14):

Labcorp Genetics (formerly Invitae), Labcorp
Classification: Benign. Last evaluated: 2026-02-01. Review status: criteria provided, single submitter. Criteria: Invitae Variant Classification Sherloc (09022015). Collection method: clinical testing. Allele origin: germline.

Mayo Clinic Laboratories, Mayo Clinic
Classification: Likely benign. Last evaluated: 2025-09-14. Review status: criteria provided, single submitter. Criteria: ACMG Guidelines, 2015. Collection method: clinical testing. Allele origin: germline. Observed: 2 variant alleles.
Comment: BS1, BS2, PP3_moderate

CeGaT Center for Human Genetics Tuebingen
Classification: Benign. Last evaluated: 2025-02-01. Review status: criteria provided, single submitter. Criteria: CeGaT Center For Human Genetics Tuebingen Variant Classification Criteria Version 2. Collection method: clinical testing. Allele origin: germline. Affected: yes. Observed: 1 variant allele.
Comment: ATP6V1B1: BS1, BS2

Blueprint Genetics
Classification: Likely benign. Last evaluated: 2024-11-26. Review status: criteria provided, single submitter. Criteria: ACMG Guidelines, 2015. Collection method: clinical testing. Allele origin: germline.

Women's Health and Genetics/Laboratory Corporation of America, LabCorp
Classification: Likely benign. Last evaluated: 2021-12-10. Review status: criteria provided, single submitter. Criteria: LabCorp Variant Classification Summary - May 2015. Collection method: clinical testing. Allele origin: germline.

Genome-Nilou Lab
Classification: Benign for Renal tubular acidosis with progressive nerve deafness. Last evaluated: 2021-07-22. Review status: criteria provided, single submitter. Criteria: ACMG Guidelines, 2015. Collection method: clinical testing. Allele origin: germline. Affected: no.

Pars Genome Lab
Classification: Benign for Renal tubular acidosis with progressive nerve deafness. Last evaluated: 2021-05-18. Review status: criteria provided, single submitter. Criteria: ACMG Guidelines, 2015. Collection method: clinical testing. Allele origin: germline. Affected: no.

GeneDx
Classification: Benign. Last evaluated: 2018-07-19. Review status: criteria provided, single submitter. Criteria: GeneDx Variant Classification Process June 2021. Collection method: clinical testing. Allele origin: germline. Affected: yes.
Comment: This variant is associated with the following publications: (PMID: 27535533, 12579397, 26920127)

Illumina Laboratory Services, Illumina
Classification: Benign for Renal tubular acidosis with progressive nerve deafness. Last evaluated: 2017-04-27. Review status: criteria provided, single submitter. Criteria: ICSL Variant Classification Criteria 13 December 2019. Collection method: clinical testing. Allele origin: germline.
Comment: This variant was observed as part of a predisposition screen in an ostensibly healthy population. A literature search was performed for the gene, cDNA change, and amino acid change (where applicable). No publications were found based on this search. Allele frequency data from public databases was too high to be consistent with this variant causing disease. Therefore, this variant is classified as benign.

Soonchunhyang University Bucheon Hospital, Soonchunhyang University Medical Center
Classification: Uncertain significance for Renal tubular acidosis with progressive nerve deafness. Last evaluated: 2016-03-18. Review status: criteria provided, single submitter. Criteria: ACMG Guidelines, 2015. Collection method: reference population. Allele origin: germline. Observed: 1 variant allele.

Eurofins Ntd Llc (ga)
Classification: Benign. Last evaluated: 2015-01-22. Review status: criteria provided, single submitter. Criteria: EGL Classification Definitions 2015. Collection method: clinical testing. Allele origin: germline. Observed: 2 variant alleles, 2 heterozygotes.

Laboratory for Molecular Medicine, Mass General Brigham Personalized Medicine
Classification: Benign. Last evaluated: 2012-04-30. Review status: criteria provided, single submitter. Criteria: LMM Criteria. Collection method: clinical testing. Allele origin: germline. Observed: 7 variant alleles.
Comment: Arg465His in Exon 14 of ATP6V1B1: This variant is not expected to have clinical significance because it has been identified in 0.8% (30/3738) of African America n chromosomes from a broad population by the NHLBI Exome Sequencing Project (dbSNP rs142905621).

Broad Center for Mendelian Genomics, Broad Institute of MIT and Harvard
Classification: Benign for Renal tubular acidosis with progressive nerve deafness. Review status: criteria provided, single submitter. Criteria: ACMG Guidelines, 2015. Collection method: research. Allele origin: germline. Inheritance: Autosomal recessive inheritance. Affected: yes.
Comment: In summary, this variant meets criteria to be classified as benign for autosomal recessive renal tubular acidosis.

Natera, Inc.
Classification: Benign for Renal tubular acidosis with progressive nerve deafness. Last evaluated: 2020-09-16. Review status: no assertion criteria provided. Collection method: clinical testing. Allele origin: germline. Not counted in ClinVar's aggregate classification.

Literature cited by the submitters: PubMed 12579397 (cited by 3 submitters); PubMed 26920127 (cited by Mayo Clinic Laboratories, Mayo Clinic); PubMed 27535533 (cited by Mayo Clinic Laboratories, Mayo Clinic).